The following is an entry in ClinVar:

NM_001369.3(DNAH5):c.13358_13359inv (p.Thr4453Met)

Gene: DNAH5 (dynein axonemal heavy chain 5; minus strand). Cytogenetic location: 5p15.2.
Variant type: Inversion.
Coding change: c.13358_13359inv on transcript NM_001369.3 (MANE Select).
Protein change: p.Thr4453Met; replaces threonine 4453 with methionine.
Molecular consequence: missense variant.
Genome position: GRCh38 VCF-style: chr5-13701416-TG-CA. GRCh37 (hg19) VCF-style: chr5-13701525-TG-CA.
Other names: short protein forms T4453M.
Identifiers: ClinVar variation 2633823 (VCV002633823.1), ClinGen allele CA2695198592.

ClinVar aggregate classification (germline): Uncertain significance (1 of 4 stars; one submission).

Conditions:
DNAH5-related disorder. Also called: DNAH5-related condition.

Submission:

PreventionGenetics, part of Exact Sciences
Classification: Uncertain significance for DNAH5-related condition. Last evaluated: 2023-03-10. Review status: criteria provided, single submitter. Criteria: ACMG Guidelines, 2015. Collection method: clinical testing. Allele origin: germline.
Comment: The DNAH5 c.13358_13359delinsTG variant is predicted to result in an in-frame deletion and insertion. To our knowledge, this variant has not been reported in the literature or in a large population database, indicating this variant is rare. At this time, the clinical significance of this variant is uncertain due to the absence of conclusive functional and genetic evidence.